The following is an entry in ClinVar:

ClinVar aggregate classification (germline): Pathogenic (1 of 4 stars; one submission).

Conditions:
Catel-Manzke syndrome. Also called: HYPERPHALANGY-CLINODACTYLY OF INDEX FINGER WITH PIERRE ROBIN SYNDROME; INDEX FINGER ANOMALY WITH PIERRE ROBIN SYNDROME; PIERRE ROBIN SYNDROME WITH HYPERPHALANGY AND CLINODACTYLY; MICROGNATHIA DIGITAL SYNDROME. Identifiers: Orphanet 1388, MedGen C1844887, MONDO:0014507, OMIM 616145.

Submission:

Clinical Genetics DNA and cytogenetics Diagnostics Lab, Erasmus MC, Erasmus Medical Center
Classification: Pathogenic for Catel-Manzke syndrome. Last evaluated: 2025-06-25. Review status: criteria provided, single submitter. Criteria: ACMG Guidelines, 2015. Collection method: clinical testing. Allele origin: maternal. Inheritance: Autosomal recessive inheritance. Affected: yes. Observed: 2 variant alleles, 1 compound heterozygote.
Comment: ACMG criteria: PM2_mod: present in gnomAD v4.1.0: Allele Count 1, Allele Number: 1613862, Allele Frequency: 6.196e-7. (probably our patient); PM4_mod: protein length changes as a result of in-frame deletions/insertions in a non-repeat region or stop-loss variants; PP4_mod: clinical features match the phenotype well; PS3_strong functionally examined

NM_014305.4(TGDS):c.711TGT[1] (p.Val239del)

Gene: TGDS (TDP-glucose 4,6-dehydratase; minus strand). Cytogenetic location: 13q32.1.
Variant type: Microsatellite.
Coding change: c.711TGT[1] on transcript NM_014305.4 (MANE Select); one copy of the 3-base unit TGT starting at c.711; the reference has two copies in a row; one copy, 3 bases deleted; also written c.714_716del.
Protein change: p.Val239del; deletes valine 239.
Molecular consequence: non-coding transcript variant (on NR_130731.2).
Genome position (GRCh38, 1-based): chr13:94,578,114-94,578,116, ACA deleted on the plus strand (TGT on the coding strand, the reverse complement: TGDS is on the minus strand); deleting any 3 consecutive bases within chr13:94,578,114-94,578,119 gives the same sequence; the position shown is the placement nearest the transcript's 3' end. VCF-style (leftmost placement, unchanged base first): chr13-94578113-TACA-T. GRCh37 (hg19) VCF-style: chr13-95230367-TACA-T.
Other names: c.615TGT[1], p.Val207del (NM_001304430.2); c.714_716del (NM_014305.4); short protein forms V207del, V239del.
Identifiers: ClinVar variation 4071468 (VCV004071468.1).
Genomic context (GRCh38, chr13:94,578,113, plus strand): 5'-GGTTCCGATGTTATAAATTTCACCTGGTTTCCCTTTTTTGAGGACAGTGAGAAATGCTTC[TACA>T]ACATCAGTAGCATAAAGGAAGTTTCTTGTTTGAAGCCCTGACCCATGAATGCAACTAAAG-3'